The following is an entry in ClinVar:

ClinVar aggregate classification (germline): Conflicting classifications of pathogenicity. Review status: criteria provided, conflicting classifications (1 of 4 stars). 5 submissions from 5 submitters: Uncertain significance (1); Benign (2); Likely benign (2). Last evaluated 2026-03-27.

Conditions:
Cardiomyopathy (CMYO). Also called: Cardiomyopathies. Identifiers: Orphanet 167848, MedGen C0878544, MONDO:0004994, HP:0001638. Inheritance: Various modes of inheritance.

Allele frequency attached by ClinVar (database versions not stated): ESP Exome Variant Server 0.00009; gnomAD 0.00027 and 0.00028; ExAC 0.00004; gnomAD exomes 0.00005 and 0.00012; TOPMed 0.00033.
gnomAD v4.1: 91 of 1,210,116 alleles (0.0075%); highest among the groups gnomAD compares: Admixed American, 0.089%; no homozygotes.

Submissions (5):

Molecular Diagnostic Laboratory for Inherited Cardiovascular Disease, Montreal Heart Institute
Classification: Likely benign. Last evaluated: 2026-03-27. Review status: criteria provided, single submitter. Criteria: ACMG Guidelines, 2015. Collection method: clinical testing. Allele origin: germline. Affected: no.

Women's Health and Genetics/Laboratory Corporation of America, LabCorp
Classification: Benign. Last evaluated: 2025-04-25. Review status: criteria provided, single submitter. Criteria: LabCorp Variant Classification Summary - May 2015. Collection method: clinical testing. Allele origin: germline.

CHEO Genetics Diagnostic Laboratory, Children's Hospital of Eastern Ontario
Classification: Likely benign for Cardiomyopathy. Last evaluated: 2019-09-16. Review status: criteria provided, single submitter. Criteria: ACMG Guidelines, 2015. Collection method: clinical testing. Allele origin: germline.

Laboratory for Molecular Medicine, Mass General Brigham Personalized Medicine
Classification: Uncertain significance. Last evaluated: 2016-08-14. Review status: criteria provided, single submitter. Criteria: LMM Criteria. Collection method: clinical testing. Allele origin: germline. Observed: 1 variant allele.
Comment: Variant classified as Uncertain Significance - Favor Benign. The c.-10C>T varian t in LAMP2 has not been previously reported in individuals with cardiomyopathy, but has been identified in 3/46625 European chromosomes by the Exome Aggregation Consortium (ExAC; dbSNP rs201209341), including 1 hemizygous individual. This variant is located in the 5' UTR. The c.-10 posit ion is poorly conserved in mammals and evolutionarily distant species and 11 mam mals carry a thymine (T) at this position, raising the possibility that this cha nge may be tolerated. In summary, while the clinical significance of this varian t is uncertain, these data suggest that it is more likely to be benign.

GeneDx
Classification: Benign. Last evaluated: 2014-04-02. Review status: criteria provided, single submitter. Criteria: GeneDx Variant Classification (06012015). Collection method: clinical testing. Allele origin: germline. Affected: yes.
Comment: This variant is considered likely benign or benign based on one or more of the following criteria: it is a conservative change, it occurs at a poorly conserved position in the protein, it is predicted to be benign by multiple in silico algorithms, and/or has population frequency not consistent with disease.

NM_002294.3(LAMP2):c.-10C>T

Gene: LAMP2 (lysosome associated membrane protein 2; minus strand). Cytogenetic location: Xq24.
Variant type: single nucleotide variant.
Coding change: c.-10C>T on transcript NM_002294.3 (MANE Select); 10 bases upstream of the start codon, C replaced by T.
Molecular consequence: 5 prime UTR variant.
Genome position (GRCh38, 1-based): chrX:120,469,179, G>A on the plus strand (C>T on the coding strand, the complement: LAMP2 is on the minus strand). VCF-style: chrX-120469179-G-A. GRCh37 (hg19) VCF-style: chrX-119603034-G-A.
Other names: c.-10C>T (NM_001122606.1, NM_013995.2).
Identifiers: ClinVar variation 138074 (VCV000138074.10), dbSNP rs201209341, ClinGen allele CA333112.